The following is an entry in ClinVar:

ClinVar aggregate classification (germline): Uncertain significance (1 of 4 stars; one submission).

Conditions:
Autosomal dominant spastic paraplegia type 9. Identifiers: MedGen C1832669, MONDO:0015091.
de Barsy syndrome. Also called: Cutis laxa-corneal clouding-oligophrenia syndrome. Identifiers: Orphanet 2962, MedGen C0268354, MONDO:0017569.
Cutis laxa, autosomal dominant 3 (ADCL3). Identifiers: Orphanet 90348, MedGen C4225268, MONDO:0014706, OMIM 616603.

Submission:

Labcorp Genetics (formerly Invitae), Labcorp
Classification: Uncertain significance for Autosomal dominant spastic paraplegia type 9; de Barsy syndrome; Cutis laxa, autosomal dominant 3. Last evaluated: 2022-11-18. Review status: criteria provided, single submitter. Criteria: Invitae Variant Classification Sherloc (09022015). Collection method: clinical testing. Allele origin: germline.
Comment: In summary, the available evidence is currently insufficient to determine the role of this variant in disease. Therefore, it has been classified as a Variant of Uncertain Significance. Algorithms developed to predict the effect of missense changes on protein structure and function are either unavailable or do not agree on the potential impact of this missense change (SIFT: "Not Available"; PolyPhen-2: "Possibly Damaging"; Align-GVGD: "Not Available"). This variant has not been reported in the literature in individuals affected with ALDH18A1-related conditions. Information on the frequency of this variant in the gnomAD database is not available, as this variant may be reported differently in the database. This sequence change replaces glutamic acid, which is acidic and polar, with leucine, which is neutral and non-polar, at codon 522 of the ALDH18A1 protein (p.Glu522Leu).

NM_002860.4(ALDH18A1):c.1564_1565delinsTT (p.Glu522Leu)

Gene: ALDH18A1 (aldehyde dehydrogenase 18 family member A1; minus strand). Cytogenetic location: 10q24.1.
Variant type: Indel.
Coding change: c.1564_1565delinsTT on transcript NM_002860.4 (MANE Select); coding-DNA positions 1564 to 1565, GA replaced by TT.
Protein change: p.Glu522Leu; replaces glutamic acid 522 with leucine.
Molecular consequence: missense variant.
Genome position (GRCh38, 1-based): chr10:95,616,517-95,616,518, TC replaced by AA on the plus strand (GA replaced by TT on the coding strand, the reverse complement: ALDH18A1 is on the minus strand). VCF-style: chr10-95616517-TC-AA. GRCh37 (hg19) VCF-style: chr10-97376274-TC-AA.
Other names: c.1558_1559delinsTT, p.Glu520Leu (NM_001017423.2, NM_001323415.2); c.1231_1232delinsTT, p.Glu411Leu (NM_001323412.2, NM_001323416.2); c.1564_1565delinsTT, p.Glu522Leu (NM_001323413.2, NM_001323414.2); c.1459_1460delinsTT, p.Glu487Leu (NM_001323417.2); c.1225_1226delinsTT, p.Glu409Leu (NM_001323418.2); c.928_929delinsTT, p.Glu310Leu (NM_001323419.2); short protein forms E310L, E409L, E411L, E487L, E520L, E522L.
Identifiers: ClinVar variation 1721434 (VCV001721434.6), dbSNP rs2526748695, ClinGen allele CA2580082510.
Genomic context (GRCh38, chr10:95,616,517, plus strand): 5'-GTGCATTCCCAGGGACCTACCAGTTGCACGGCCTCCTTGACTCCATGGATTGAGAGAGCC[TC>AA]CTGGGTCAGGAGGTGGAGAATCCGGTTGCTGTGTGCAGCCTCCTTCCCTCCTTTGAGTAA-3'
Protein context (NP_002851.2, residues 512-532): SNRILHLLTQ[Glu522Leu]ALSIHGVKEA